The following is an entry in ClinVar:

ClinVar aggregate classification (germline): Uncertain significance (1 of 4 stars; one submission).

Conditions:
Short-rib thoracic dysplasia 11 with or without polydactyly (SRTD11). Also called: SHORT-RIB THORACIC DYSPLASIA 11 WITHOUT POLYDACTYLY. Identifiers: Orphanet 474, Orphanet 93271, MedGen C3810200, MONDO:0014287, OMIM 615633.

Submission:

Labcorp Genetics (formerly Invitae), Labcorp
Classification: Uncertain significance for Short-rib thoracic dysplasia 11 with or without polydactyly. Last evaluated: 2021-07-16. Review status: criteria provided, single submitter. Criteria: Invitae Variant Classification Sherloc (09022015). Collection method: clinical testing. Allele origin: germline.
Comment: Algorithms developed to predict the effect of missense changes on protein structure and function are either unavailable or do not agree on the potential impact of this missense change (SIFT: "Deleterious"; PolyPhen-2: "Benign"; Align-GVGD: "Class C0"). In summary, the available evidence is currently insufficient to determine the role of this variant in disease. Therefore, it has been classified as a Variant of Uncertain Significance. This variant has not been reported in the literature in individuals affected with WDR34-related conditions. This variant is not present in population databases (ExAC no frequency). This sequence change replaces phenylalanine with valine at codon 358 of the WDR34 protein (p.Phe358Val). The phenylalanine residue is moderately conserved and there is a small physicochemical difference between phenylalanine and valine.

NM_052844.4(DYNC2I2):c.1072T>G (p.Phe358Val)

Genes: DYNC2I2 (dynein 2 intermediate chain 2; minus strand), LOC126860772 (CDK7 strongly-dependent group 2 enhancer GRCh37_chr9:131396972-131398171; plus strand). Cytogenetic location: 9q34.11.
Variant type: single nucleotide variant.
Coding change: c.1072T>G on transcript NM_052844.4 (MANE Select); coding-DNA position 1072, T replaced by G.
Protein change: p.Phe358Val; replaces phenylalanine 358 with valine.
Molecular consequence: missense variant.
Genome position (GRCh38, 1-based): chr9:128,634,831, A>C on the plus strand (T>G on the coding strand, the complement: DYNC2I2 is on the minus strand). VCF-style: chr9-128634831-A-C. GRCh37 (hg19) VCF-style: chr9-131397110-A-C.
Other names: short protein forms F358V.
Identifiers: ClinVar variation 1681205 (VCV001681205.8), dbSNP rs2132139382, ClinGen allele CA375113261.